The following is an entry in ClinVar:

NM_016938.5(EFEMP2):c.338A>G (p.Tyr113Cys)

Gene: EFEMP2 (EGF-like fibulin extracellular matrix protein 2; minus strand). Cytogenetic location: 11q13.1.
Variant type: single nucleotide variant.
Coding change: c.338A>G on transcript NM_016938.5 (MANE Select); coding-DNA position 338, A replaced by G.
Protein change: p.Tyr113Cys; replaces tyrosine 113 with cysteine.
Molecular consequence: missense variant. On other transcripts: non-coding transcript variant (1).
Genome position (GRCh38, 1-based): chr11:65,871,186, T>C on the plus strand (A>G on the coding strand, the complement: EFEMP2 is on the minus strand). VCF-style: chr11-65871186-T-C. GRCh37 (hg19) VCF-style: chr11-65638657-T-C.
Other names: short protein forms Y113C.
Identifiers: ClinVar variation 540024 (VCV000540024.13), dbSNP rs1394549414, ClinGen allele CA381309033.

ClinVar aggregate classification (germline): Uncertain significance. Review status: criteria provided, multiple submitters, no conflicts (2 of 4 stars). 3 submissions from 3 submitters: Uncertain significance (3). Last evaluated 2026-01-01.

Conditions:
Cardiovascular phenotype. Identifiers: MedGen CN230736.
Cutis laxa, autosomal recessive, type 1B (ARCL1B). Also called: CUTIS LAXA, AUTOSOMAL RECESSIVE, TYPE IB; EFEMP2-Related Cutis Laxa. Identifiers: Orphanet 90349, MedGen C3280798, MONDO:0013754, OMIM 614437. Disease mechanism: loss of function.

Allele frequency attached by ClinVar (database versions not stated): gnomAD exomes below 0.00001; TOPMed 0.00001; gnomAD 0.00002.

Submissions (3):

CeGaT Center for Human Genetics Tuebingen
Classification: Uncertain significance. Last evaluated: 2026-01-01. Review status: criteria provided, single submitter. Criteria: CeGaT Center For Human Genetics Tuebingen Variant Classification Criteria Version 2. Collection method: clinical testing. Allele origin: germline. Affected: yes. Observed: 1 variant allele.
Comment: EFEMP2: PM2

Ambry Genetics
Classification: Uncertain significance for Cardiovascular phenotype. Last evaluated: 2024-03-21. Review status: criteria provided, single submitter. Criteria: Ambry Variant Classification Scheme 2023. Collection method: clinical testing. Allele origin: germline.
Comment: The p.Y113C variant (also known as c.338A>G), located in coding exon 3 of the EFEMP2 gene, results from an A to G substitution at nucleotide position 338. The tyrosine at codon 113 is replaced by cysteine, an amino acid with highly dissimilar properties. This amino acid position is conserved. In addition, the in silico prediction for this alteration is inconclusive. Based on the available evidence, the clinical significance of this alteration remains unclear.

Labcorp Genetics (formerly Invitae), Labcorp
Classification: Uncertain significance for Cutis laxa, autosomal recessive, type 1B. Last evaluated: 2017-08-06. Review status: criteria provided, single submitter. Criteria: Invitae Variant Classification Sherloc (09022015). Collection method: clinical testing. Allele origin: germline.
Comment: Algorithms developed to predict the effect of missense changes on protein structure and function do not agree on the potential impact of this missense change (SIFT: "Deleterious"; PolyPhen-2: "Probably Damaging"; Align-GVGD: "Class C0"). In summary, the available evidence is currently insufficient to determine the role of this variant in disease. Therefore, it has been classified as a Variant of Uncertain Significance. Algorithms developed to predict the effect of sequence changes on RNA splicing suggest that this variant may create or strengthen a splice site, but this prediction has not been confirmed by published transcriptional studies. This variant has not been reported in the literature in individuals with EFEMP2-related disease. This variant is not present in population databases (ExAC no frequency). This sequence change replaces tyrosine with cysteine at codon 113 of the EFEMP2 protein (p.Tyr113Cys). The tyrosine residue is highly conserved and there is a large physicochemical difference between tyrosine and cysteine.